The following is an entry in ClinVar:

NC_000021.8:g.(?_45709520)_(45759077_?)dup

Genes: CFAP410 (cilia and flagella associated protein 410; minus strand), AIRE (autoimmune regulator; plus strand), PFKL (phosphofructokinase, liver type; plus strand). Cytogenetic location: 21q22.3.
Variant type: Duplication.
Identifiers: ClinVar variation 2422993 (VCV002422993.4).

ClinVar aggregate classification (germline): Uncertain significance (1 of 4 stars; one submission).

Conditions:
Polyglandular autoimmune syndrome, type 1 (APS1). Also called: Autoimmune polyendocrine syndrome type 1; Autoimmune polyendocrinopathy syndrome, type I; HYPOADRENOCORTICISM WITH HYPOPARATHYROIDISM AND SUPERFICIAL MONILIASIS; PGA I; Autoimmune polyendocrinopathy syndrome , type I, with or without reversible metaphyseal dysplasia; APS I. Identifiers: Orphanet 3453, MedGen C0085859, MONDO:0009411, OMIM 240300.

Submission:

Labcorp Genetics (formerly Invitae), Labcorp
Classification: Uncertain significance for Polyglandular autoimmune syndrome, type 1. Last evaluated: 2024-01-08. Review status: criteria provided, single submitter. Criteria: Invitae Variant Classification Sherloc (09022015). Collection method: clinical testing. Allele origin: germline.
Comment: This variant results in a copy number gain of the genomic region encompassing exon(s) 6-14 of the AIRE gene. This region includes the termination codon of the gene. This copy number gain extends beyond the assayed region for this gene and therefore may encompass additional genes. As the precise location of this event is unknown, it may be in tandem or it may be located elsewhere in the genome. This variant has not been reported in the literature in individuals affected with AIRE-related conditions. Experimental studies and prediction algorithms are not available or were not evaluated, and the functional significance of this variant is currently unknown. In summary, the available evidence is currently insufficient to determine the role of this variant in disease. Therefore, it has been classified as a Variant of Uncertain Significance.